The following is an entry in ClinVar:

NM_001482.3(GATM):c.1079T>C (p.Met360Thr)

Gene: GATM (glycine amidinotransferase; minus strand). Cytogenetic location: 15q21.1.
Variant type: single nucleotide variant.
Coding change: c.1079T>C on transcript NM_001482.3 (MANE Select); coding-DNA position 1079, T replaced by C.
Protein change: p.Met360Thr; replaces methionine 360 with threonine.
Molecular consequence: missense variant.
Genome position (GRCh38, 1-based): chr15:45,363,980, A>G on the plus strand (T>C on the coding strand, the complement: GATM is on the minus strand). VCF-style: chr15-45363980-A-G. GRCh37 (hg19) VCF-style: chr15-45656178-A-G.
Other names: c.692T>C, p.Met231Thr (NM_001321015.2); short protein forms M231T, M360T.
Identifiers: ClinVar variation 2842191 (VCV002842191.3), dbSNP rs2541984179, ClinGen allele CA392255926.

ClinVar aggregate classification (germline): Uncertain significance (1 of 4 stars; one submission).

Conditions:
Arginine:glycine amidinotransferase deficiency (CCDS3). Also called: L-Arginine:Glycine Amidinotransferase (AGAT) Deficiency; AGAT deficiency; L-Arginine:Glycine Amidinotransferase Deficiency; Creatine deficiency syndrome due to AGAT deficiency; GATM deficiency; Cerebral creatine deficiency syndrome 3. Identifiers: Orphanet 35704, MedGen C2675179, MONDO:0012996, OMIM 612718.

Allele frequency attached by ClinVar (database versions not stated): gnomAD exomes below 0.00001.
gnomAD v4.1: 1 of 1,612,950 alleles (0.000062%); highest among the groups gnomAD compares: Non-Finnish European, 0.000085%; no homozygotes.

Submission:

Labcorp Genetics (formerly Invitae), Labcorp
Classification: Uncertain significance for Arginine:glycine amidinotransferase deficiency. Last evaluated: 2023-03-02. Review status: criteria provided, single submitter. Criteria: Invitae Variant Classification Sherloc (09022015). Collection method: clinical testing. Allele origin: germline.
Comment: This variant has not been reported in the literature in individuals affected with GATM-related conditions. Advanced modeling of protein sequence and biophysical properties (such as structural, functional, and spatial information, amino acid conservation, physicochemical variation, residue mobility, and thermodynamic stability) performed at Invitae indicates that this missense variant is not expected to disrupt GATM protein function. In summary, the available evidence is currently insufficient to determine the role of this variant in disease. Therefore, it has been classified as a Variant of Uncertain Significance. This sequence change replaces methionine, which is neutral and non-polar, with threonine, which is neutral and polar, at codon 360 of the GATM protein (p.Met360Thr). This variant is not present in population databases (gnomAD no frequency).